The following is an entry in ClinVar:

NM_024577.4(SH3TC2):c.*12969C>A

Gene: SH3TC2 (SH3 domain and tetratricopeptide repeats 2; minus strand). Cytogenetic location: 5q32.
Variant type: single nucleotide variant.
Coding change: c.*12969C>A on transcript NM_024577.4 (MANE Select); 12969 bases downstream of the stop codon, C replaced by A.
Molecular consequence: 3 prime UTR variant.
Genome position (GRCh38, 1-based): chr5:148,991,742, G>T on the plus strand (C>A on the coding strand, the complement: SH3TC2 is on the minus strand). VCF-style: chr5-148991742-G-T. GRCh37 (hg19) VCF-style: chr5-148371305-G-T.
Identifiers: ClinVar variation 351674 (VCV000351674.5), dbSNP rs76955068, ClinGen allele CA10623216.

ClinVar aggregate classification (germline): Benign. Review status: criteria provided, single submitter (1 of 4 stars). 2 submissions from 1 submitter: Benign (2). Last evaluated 2018-01-13.

Conditions:
Susceptibility to mononeuropathy of the median nerve, mild. Also called: CARPAL TUNNEL SYNDROME, SUSCEPTIBILITY TO. Identifiers: MedGen C3150596, MONDO:0013237, OMIM 613353.
Charcot-Marie-Tooth disease type 4C (CMT4C). Also called: CHARCOT-MARIE-TOOTH DISEASE, DEMYELINATING, AUTOSOMAL RECESSIVE, TYPE 4C; CMT 4C; Charcot-Marie-Tooth Neuropathy Type 4C (CMT4C); CHARCOT-MARIE-TOOTH DISEASE, DEMYELINATING, TYPE 4C; SH3TC2-Related Hereditary Motor and Sensory Neuropathy. Identifiers: Orphanet 99949, MedGen C1866636, MONDO:0011113, OMIM 601596.

Allele frequency attached by ClinVar (database versions not stated): 1000 Genomes Project 30x 0.00671; 1000 Genomes Project 0.00739; TOPMed 0.01574; gnomAD 0.01652 and 0.01682.
gnomAD v4.1: 2,529 of 152,272 alleles (1.7%); highest among the groups gnomAD compares: Middle Eastern, 2.7%; 34 homozygotes.

Submissions (2):

Illumina Laboratory Services, Illumina
Classification: Benign for Charcot-Marie-Tooth disease type 4C. Last evaluated: 2018-01-13. Review status: criteria provided, single submitter. Criteria: ICSL Variant Classification Criteria 13 December 2019. Collection method: clinical testing. Allele origin: germline.
Comment: This variant was observed in the ICSL laboratory as part of a predisposition screen in an ostensibly healthy population. It had not been previously curated by ICSL or reported in the Human Gene Mutation Database (HGMD: prior to June 1st, 2018), and was therefore a candidate for classification through an automated scoring system. Utilizing variant allele frequency, disease prevalence and penetrance estimates, and inheritance mode, an automated score was calculated to assess if this variant is too frequent to cause the disease. Based on the score and internal cut-off values, a variant classified as benign is not then subjected to further curation. The score for this variant resulted in a classification of benign for this disease.

Illumina Laboratory Services, Illumina
Classification: Benign for Susceptibility to mononeuropathy of the median nerve, mild. Last evaluated: 2018-01-13. Review status: criteria provided, single submitter. Criteria: ICSL Variant Classification Criteria 13 December 2019. Collection method: clinical testing. Allele origin: germline.
Comment: the same text as in the submission from Illumina Laboratory Services, Illumina above.